The following is an entry in ClinVar:

ClinVar aggregate classification (germline): Uncertain significance (1 of 4 stars; one submission).

Submission:

Labcorp Genetics (formerly Invitae), Labcorp
Classification: Uncertain significance. Last evaluated: 2024-10-14. Review status: criteria provided, single submitter. Criteria: Invitae Variant Classification Sherloc (09022015). Collection method: clinical testing. Allele origin: germline.
Comment: This sequence change replaces threonine, which is neutral and polar, with serine, which is neutral and polar, at codon 363 of the PGK1 protein (p.Thr363Ser). This variant is not present in population databases (gnomAD no frequency). This variant has not been reported in the literature in individuals affected with PGK1-related conditions. ClinVar contains an entry for this variant (Variation ID: 1522639). An algorithm developed to predict the effect of missense changes on protein structure and function (PolyPhen-2) suggests that this variant is likely to be tolerated. In summary, the available evidence is currently insufficient to determine the role of this variant in disease. Therefore, it has been classified as a Variant of Uncertain Significance.

NM_000291.4(PGK1):c.1088C>G (p.Thr363Ser)

Gene: PGK1 (phosphoglycerate kinase 1; plus strand). Cytogenetic location: Xq21.1.
Variant type: single nucleotide variant.
Coding change: c.1088C>G on transcript NM_000291.4 (MANE Select); coding-DNA position 1088, C replaced by G.
Protein change: p.Thr363Ser; replaces threonine 363 with serine.
Molecular consequence: missense variant.
Genome position (GRCh38, 1-based): chrX:78,125,025, C>G. VCF-style: chrX-78125025-C-G. GRCh37 (hg19) VCF-style: chrX-77380522-C-G.
Other names: short protein forms T363S.
Identifiers: ClinVar variation 1522639 (VCV001522639.8), dbSNP rs2149137063, ClinGen allele CA413718039.